The following is an entry in ClinVar:

ClinVar aggregate classification (germline): Pathogenic (1 of 4 stars; one submission).

Conditions:
Achromatopsia 3 (ACHM3). Also called: ACHROMATOPSIA WITH MYOPIA; PINGELAPESE BLINDNESS; TOTAL COLORBLINDNESS WITH MYOPIA; ROD MONOCHROMACY 1; ROD MONOCHROMATISM 1. Identifiers: Orphanet 49382, MedGen C1849792, MONDO:0009875, OMIM 262300.

Submission:

Myriad Genetics, Inc.
Classification: Pathogenic for Achromatopsia 3. Last evaluated: 2024-03-06. Review status: criteria provided, single submitter. Criteria: Myriad Autosomal Dominant, Autosomal Recessive and X-Linked Classification Criteria (2023). Collection method: clinical testing. Allele origin: unknown.
Comment: NM_019098.4(CNGB3):c.1633delT(Y545Ifs*40) is expected to be pathogenic in the context of achromatopsia, CNGB3-related. This variant is predicted to lead to an abnormal or absent protein product due to the creation of a premature termination codon in CNGB3, a gene where loss-of-function variants are known to be pathogenic. Please note: this variant was assessed in the context of healthy population screening.

NM_019098.5(CNGB3):c.1633del (p.Tyr545fs)

Gene: CNGB3 (cyclic nucleotide gated channel subunit beta 3; minus strand). Cytogenetic location: 8q21.3.
Variant type: Deletion.
Coding change: c.1633del on transcript NM_019098.5 (MANE Select); coding-DNA position 1633, one base deleted (T; older notation c.1633delT).
Protein change: p.Tyr545fs; shifts the reading frame from tyrosine 545.
Molecular consequence: frameshift variant.
Genome position (GRCh38, 1-based): chr8:86,611,617, A deleted on the plus strand (T on the coding strand, the reverse complement: CNGB3 is on the minus strand). VCF-style (leftmost placement, unchanged base first): chr8-86611616-TA-T. GRCh37 (hg19) VCF-style: chr8-87623844-TA-T.
Other names: short protein forms Y545fs.
Identifiers: ClinVar variation 5012804 (VCV005012804.1).